The following is an entry in ClinVar:

ClinVar aggregate classification (germline): Uncertain significance. Review status: criteria provided, multiple submitters, no conflicts (2 of 4 stars). 3 submissions from 3 submitters: Uncertain significance (3). Last evaluated 2025-10-14.

Conditions:
Cone-rod dystrophy 7 (CORD7). Identifiers: Orphanet 1872, MedGen C1863634, MONDO:0011355, OMIM 603649.

Allele frequency attached by ClinVar (database versions not stated): TOPMed 0.00003; gnomAD exomes 0.00001; gnomAD 0.00002.
gnomAD v4.1: 21 of 1,544,572 alleles (0.0014%); highest among the groups gnomAD compares: Admixed American, 0.002%; no homozygotes.

Submissions (3):

Labcorp Genetics (formerly Invitae), Labcorp
Classification: Uncertain significance. Last evaluated: 2025-10-14. Review status: criteria provided, single submitter. Criteria: Invitae Variant Classification Sherloc (09022015). Collection method: clinical testing. Allele origin: germline.
Comment: This sequence change replaces threonine, which is neutral and polar, with alanine, which is neutral and non-polar, at codon 433 of the RIMS1 protein (p.Thr433Ala). This variant is not present in population databases (gnomAD no frequency). This variant has not been reported in the literature in individuals affected with RIMS1-related conditions. ClinVar contains an entry for this variant (Variation ID: 911091). An algorithm developed to predict the effect of missense changes on protein structure and function (PolyPhen-2) suggests that this variant is likely to be tolerated. In summary, the available evidence is currently insufficient to determine the role of this variant in disease. Therefore, it has been classified as a Variant of Uncertain Significance.

Ambry Genetics
Classification: Uncertain significance. Last evaluated: 2024-08-01. Review status: criteria provided, single submitter. Criteria: Ambry Variant Classification Scheme 2023. Collection method: clinical testing. Allele origin: germline.

Illumina Laboratory Services, Illumina
Classification: Uncertain significance for Cone-rod dystrophy 7. Last evaluated: 2018-01-13. Review status: criteria provided, single submitter. Criteria: ICSL Variant Classification Criteria 13 December 2019. Collection method: clinical testing. Allele origin: germline.

NM_014989.7(RIMS1):c.1297A>G (p.Thr433Ala)

Gene: RIMS1 (regulating synaptic membrane exocytosis 1; plus strand). Cytogenetic location: 6q13.
Variant type: single nucleotide variant.
Coding change: c.1297A>G on transcript NM_014989.7 (MANE Select); coding-DNA position 1297, A replaced by G.
Protein change: p.Thr433Ala; replaces threonine 433 with alanine.
Molecular consequence: missense variant.
Genome position (GRCh38, 1-based): chr6:72,182,768, A>G. VCF-style: chr6-72182768-A-G. GRCh37 (hg19) VCF-style: chr6-72892471-A-G.
Other names: c.1297A>G (NM_014989.4); short protein forms T433A.
Identifiers: ClinVar variation 911091 (VCV000911091.12), dbSNP rs996767502, ClinGen allele CA141417536.